The following is an entry in ClinVar:

ClinVar aggregate classification (germline): Likely pathogenic (0 of 4 stars; one submission).

Conditions:
Platelet-type bleeding disorder 18 (BDPLT18). Identifiers: Orphanet 420566, MedGen C4014584, MONDO:0014386, OMIM 615888.

Submission:

ISTH-SSC Genomics in Thrombosis and Hemostasis, KU Leuven, Center for Molecular and Vascular Biology
Classification: Likely pathogenic for Platelet-type bleeding disorder 18. Review status: no assertion criteria provided. Collection method: research. Allele origin: germline. Affected: yes.
Comment: Submitted to GoldVariant by Harald Schulze from Institute of Experimental Biomedicine, University Hospital of Würzburg, Würzburg, Germany

NM_001098671.2(RASGRP2):c.742G>C (p.Gly248Arg)

Gene: RASGRP2 (RAS guanyl releasing protein 2; minus strand). Cytogenetic location: 11q13.1.
Variant type: single nucleotide variant.
Coding change: c.742G>C on transcript NM_001098671.2 (MANE Select); coding-DNA position 742, G replaced by C.
Protein change: p.Gly248Arg; replaces glycine 248 with arginine.
Molecular consequence: missense variant.
Genome position (GRCh38, 1-based): chr11:64,739,431, C>G on the plus strand (G>C on the coding strand, the complement: RASGRP2 is on the minus strand). VCF-style: chr11-64739431-C-G. GRCh37 (hg19) VCF-style: chr11-64506903-C-G.
Other names: c.742G>C, p.Gly248Arg (NM_001098670.2, NM_153819.2); c.307G>C, p.Gly103Arg (NM_001318398.2); short protein forms G103R, G248R.
Identifiers: ClinVar variation 1684408 (VCV001684408.1), dbSNP rs587777529, ClinGen allele CA381145678.
Genomic context (GRCh38, chr11:64,739,431, plus strand): 5'-CAGGGCTAACGTGGCTGTGGGTCTCCTTGAGGCGGGAGATGGAGCTGTGGCTCAGGCCCC[C>G]GACCACTGCCATCAGCGTGTTGAAGTTCTGCAGCTGTAGCAGCTTCTGGAAGGCAAATGG-3'
Protein context (NP_001092141.1, residues 238-258): QNFNTLMAVV[Gly248Arg]GLSHSSISRL